The following is an entry in ClinVar:

ClinVar aggregate classification (germline): Uncertain significance (1 of 4 stars; one submission).

gnomAD v4.1: 52 of 1,609,018 alleles (0.0032%); highest among the groups gnomAD compares: Non-Finnish European, 0.0039%; no homozygotes.

Submission:

Labcorp Genetics (formerly Invitae), Labcorp
Classification: Uncertain significance. Last evaluated: 2025-08-08. Review status: criteria provided, single submitter. Criteria: Invitae Variant Classification Sherloc (09022015). Collection method: clinical testing. Allele origin: germline.
Comment: This sequence change replaces asparagine, which is neutral and polar, with serine, which is neutral and polar, at codon 577 of the CEP89 protein (p.Asn577Ser). This variant is present in population databases (rs746514877, gnomAD 0.006%). This variant has not been reported in the literature in individuals affected with CEP89-related conditions. An algorithm developed to predict the effect of missense changes on protein structure and function (PolyPhen-2) suggests that this variant is likely to be disruptive. Algorithms developed to predict the effect of sequence changes on RNA splicing suggest that this variant may create or strengthen a splice site. In summary, the available evidence is currently insufficient to determine the role of this variant in disease. Therefore, it has been classified as a Variant of Uncertain Significance.

NM_032816.5(CEP89):c.1730A>G (p.Asn577Ser)

Gene: CEP89 (centrosomal protein 89; minus strand). Cytogenetic location: 19q13.11.
Variant type: single nucleotide variant.
Coding change: c.1730A>G on transcript NM_032816.5 (MANE Select); coding-DNA position 1730, A replaced by G.
Protein change: p.Asn577Ser; replaces asparagine 577 with serine.
Molecular consequence: missense variant.
Genome position (GRCh38, 1-based): chr19:32,901,248, T>C on the plus strand (A>G on the coding strand, the complement: CEP89 is on the minus strand). VCF-style: chr19-32901248-T-C. GRCh37 (hg19) VCF-style: chr19-33392154-T-C.
Other names: short protein forms N577S.
Identifiers: ClinVar variation 4739190 (VCV004739190.1).